The following is an entry in ClinVar:

NM_199420.4(POLQ):c.1298G>A (p.Arg433His)

Gene: POLQ (DNA polymerase theta; minus strand). Cytogenetic location: 3q13.33.
Variant type: single nucleotide variant.
Coding change: c.1298G>A on transcript NM_199420.4 (MANE Select); coding-DNA position 1298, G replaced by A.
Protein change: p.Arg433His; replaces arginine 433 with histidine.
Molecular consequence: missense variant.
Genome position (GRCh38, 1-based): chr3:121,520,041, C>T on the plus strand (G>A on the coding strand, the complement: POLQ is on the minus strand). VCF-style: chr3-121520041-C-T. GRCh37 (hg19) VCF-style: chr3-121238888-C-T.
Other names: short protein forms R433H.
Identifiers: ClinVar variation 2449529 (VCV002449529.2), dbSNP rs1251692895, ClinGen allele CA354119844.
Genomic context (GRCh38, chr3:121,520,041, plus strand): 5'-GGTAAATTCACCCCAGAAGAAAGAGTAGAAGTTGCCGCCAAGACCCGAATGAGACCTTGA[C>T]GAAAGGCTCCTTCAATGATATCCCTCTCCTCAAAAGTAAGACCTAAAAAAAGGAGGTTTT-3'
Protein context (NP_955452.3, residues 423-443): EERDIIEGAF[Arg433His]QGLIRVLAAT

ClinVar aggregate classification (germline): Uncertain significance (1 of 4 stars; one submission).

Allele frequency attached by ClinVar (database versions not stated): gnomAD exomes below 0.00001; TOPMed 0.00001.
gnomAD v4.1: 4 of 1,613,458 alleles (0.00025%); highest among the groups gnomAD compares: Non-Finnish European, 0.00034%; no homozygotes.

Submission:

Ambry Genetics
Classification: Uncertain significance. Last evaluated: 2023-02-16. Review status: criteria provided, single submitter. Criteria: Ambry Variant Classification Scheme 2023. Collection method: clinical testing. Allele origin: germline.
Comment: The p.R433H variant (also known as c.1298G>A), located in coding exon 9 of the POLQ gene, results from a G to A substitution at nucleotide position 1298. The arginine at codon 433 is replaced by histidine, an amino acid with highly similar properties. This amino acid position is conserved. In addition, this alteration is predicted to be tolerated by in silico analysis. Since supporting evidence is limited at this time, the clinical significance of this alteration remains unclear.